The following is an entry in ClinVar:

ClinVar aggregate classification (germline): Uncertain significance (1 of 4 stars; one submission).

Conditions:
KIDINS220-related disorder. Also called: KIDINS220-related condition.

Submission:

PreventionGenetics, part of Exact Sciences
Classification: Uncertain significance for KIDINS220-related condition. Last evaluated: 2026-06-02. Review status: criteria provided, single submitter. Criteria: ACMG Guidelines, 2015. Collection method: clinical testing. Allele origin: germline.
Comment: The KIDINS220 c.4015G>C variant is predicted to result in the amino acid substitution p.Asp1339His. To our knowledge, this variant has not been reported in the literature or in a large population database (gnomAD), indicating this variant is rare. At this time, the clinical significance of this variant is uncertain due to the absence of conclusive functional and genetic evidence.

NM_020738.4(KIDINS220):c.4015G>C (p.Asp1339His)

Gene: KIDINS220 (kinase D interacting substrate 220; minus strand). Cytogenetic location: 2p25.1.
Variant type: single nucleotide variant.
Coding change: c.4015G>C on transcript NM_020738.4 (MANE Select); coding-DNA position 4015, G replaced by C.
Protein change: p.Asp1339His; replaces aspartic acid 1339 with histidine.
Molecular consequence: missense variant. On other transcripts: non-coding transcript variant (2).
Genome position (GRCh38, 1-based): chr2:8,733,482, C>G on the plus strand (G>C on the coding strand, the complement: KIDINS220 is on the minus strand). VCF-style: chr2-8733482-C-G. GRCh37 (hg19) VCF-style: chr2-8873612-C-G.
Other names: c.4018G>C, p.Asp1340His (NM_001348729.2); c.3961G>C, p.Asp1321His (NM_001348731.2); c.3958G>C, p.Asp1320His (NM_001348732.2, NM_001348738.2); c.3847G>C, p.Asp1283His (NM_001348734.2, NM_001348739.2, NM_001348740.2); c.3844G>C, p.Asp1282His (NM_001348735.2, NM_001348741.2, NM_001348742.2 and 1 more transcripts); c.3718G>C, p.Asp1240His (NM_001348736.2); short protein forms D1240H, D1339H, D1321H, D1282H, D1320H, D1283H, D1340H.
Identifiers: ClinVar variation 4993713 (VCV004993713.1).